The following is an entry in ClinVar:

ClinVar aggregate classification (germline): Uncertain significance (1 of 4 stars; one submission).

Submission:

Labcorp Genetics (formerly Invitae), Labcorp
Classification: Uncertain significance. Last evaluated: 2026-01-13. Review status: criteria provided, single submitter. Criteria: Invitae Variant Classification Sherloc (09022015). Collection method: clinical testing. Allele origin: germline.
Comment: This sequence change replaces serine, which is neutral and polar, with proline, which is neutral and non-polar, at codon 1068 of the STAG2 protein (p.Ser1068Pro). This variant is not present in population databases (gnomAD no frequency). This variant has not been reported in the literature in individuals affected with STAG2-related conditions. An algorithm developed to predict the effect of missense changes on protein structure and function (PolyPhen-2) suggests that this variant is likely to be tolerated. In summary, the available evidence is currently insufficient to determine the role of this variant in disease. Therefore, it has been classified as a Variant of Uncertain Significance.

NM_001042750.2(STAG2):c.3202T>C (p.Ser1068Pro)

Gene: STAG2 (STAG2 cohesin complex component; plus strand). Cytogenetic location: Xq25.
Variant type: single nucleotide variant.
Coding change: c.3202T>C on transcript NM_001042750.2 (MANE Select); coding-DNA position 3202, T replaced by C.
Protein change: p.Ser1068Pro; replaces serine 1068 with proline.
Molecular consequence: missense variant.
Genome position (GRCh38, 1-based): chrX:124,086,695, T>C. VCF-style: chrX-124086695-T-C. GRCh37 (hg19) VCF-style: chrX-123220545-T-C.
Other names: c.3202T>C, p.Ser1068Pro (NM_001042749.2, NM_001042751.2, NM_001282418.2 and 23 more transcripts); short protein forms S1068P.
Identifiers: ClinVar variation 4735295 (VCV004735295.1).